The following is an entry in ClinVar:

ClinVar aggregate classification (germline): Likely benign. Review status: criteria provided, multiple submitters, no conflicts (2 of 4 stars). 2 submissions from 2 submitters: Likely benign (2). Last evaluated 2018-07-07.

Submissions (2):

Labcorp Genetics (formerly Invitae), Labcorp
Classification: Likely benign. Last evaluated: 2018-07-07. Review status: criteria provided, single submitter. Criteria: Invitae Variant Classification Sherloc (09022015). Collection method: clinical testing. Allele origin: germline.

GeneDx
Classification: Likely benign. Last evaluated: 2017-12-22. Review status: criteria provided, single submitter. Criteria: GeneDx Variant Classification (06012015). Collection method: clinical testing. Allele origin: germline. Affected: yes.
Comment: This variant is considered likely benign or benign based on one or more of the following criteria: it is a conservative change, it occurs at a poorly conserved position in the protein, it is predicted to be benign by multiple in silico algorithms, and/or has population frequency not consistent with disease.

NM_014402.5(UQCRQ):c.90C>G (p.Val30=)

Genes: UQCRQ (ubiquinol-cytochrome c reductase complex III subunit VII; plus strand), LOC126807509 (BRD4-independent group 4 enhancer GRCh37_chr5:132201613-132202812; plus strand). Cytogenetic location: 5q31.1.
Variant type: single nucleotide variant.
Coding change: c.90C>G on transcript NM_014402.5 (MANE Select); coding-DNA position 90, C replaced by G.
Protein change: p.Val30=; no amino-acid change (valine 30 retained).
Molecular consequence: synonymous variant.
Genome position (GRCh38, 1-based): chr5:132,866,971, C>G. VCF-style: chr5-132866971-C-G. GRCh37 (hg19) VCF-style: chr5-132202663-C-G.
Identifiers: ClinVar variation 513958 (VCV000513958.4), dbSNP rs146307558, ClinGen allele CA446370657.